The following is an entry in ClinVar:

NM_020458.4(TTC7A):c.863C>T (p.Ala288Val)

Gene: TTC7A (tetratricopeptide repeat domain 7A; plus strand). Cytogenetic location: 2p21.
Variant type: single nucleotide variant.
Coding change: c.863C>T on transcript NM_020458.4 (MANE Select); coding-DNA position 863, C replaced by T.
Protein change: p.Ala288Val; replaces alanine 288 with valine.
Molecular consequence: missense variant. On other transcripts: intron variant (1).
Genome position (GRCh38, 1-based): chr2:46,994,376, C>T. VCF-style: chr2-46994376-C-T. GRCh37 (hg19) VCF-style: chr2-47221515-C-T.
Other names: c.863C>T (NM_020458.3, NM_020458.2); c.863C>T, p.Ala288Val (NM_001288951.2); c.761C>T, p.Ala254Val (NM_001288953.2); c.-61-760C>T (NM_001288955.2); short protein forms A288V, A254V.
Identifiers: ClinVar variation 1423493 (VCV001423493.9), dbSNP rs747695657, ClinGen allele CA1647394.
Genomic context (GRCh38, chr2:46,994,376, plus strand): 5'-TGACAACTGTGCCTGGGTCCGAGTGCTTCCCTCTCTGCCAGATGGCGGCCAAGCACCTGG[C>T]GGGGGTCCTGCTGCACTCCCTGAGTGAGGAGTGCTACTGGAGCCCCCTGTCCCACCCTCT-3'
Protein context (NP_065191.2, residues 278-298): NFKVMAAKHL[Ala288Val]GVLLHSLSEE

ClinVar aggregate classification (germline): Uncertain significance. Review status: criteria provided, multiple submitters, no conflicts (2 of 4 stars). 3 submissions from 3 submitters: Uncertain significance (3). Last evaluated 2026-02-17.

Conditions:
Inborn genetic diseases. Identifiers: MedGen C0950123, MeSH D030342.
Multiple gastrointestinal atresias. Also called: FAMILIAL INTESTINAL POLYATRESIA SYNDROME; Multiple intestinal atresia. Identifiers: Orphanet 2300, MedGen C0220744, MONDO:0009465.

Allele frequency attached by ClinVar (database versions not stated): ExAC 0.00005; gnomAD 0.00005; gnomAD exomes 0.00005; TOPMed 0.00005.
gnomAD v4.1: 130 of 1,612,822 alleles (0.0081%); highest among the groups gnomAD compares: Middle Eastern, 0.017%; no homozygotes.

Submissions (4):

GeneDx
Classification: Uncertain significance. Last evaluated: 2026-02-17. Review status: criteria provided, single submitter. Criteria: GeneDx Variant Classification Process June 2021. Collection method: clinical testing. Allele origin: germline.
Comment: In silico analysis supports that this missense variant has a deleterious effect on protein structure/function; Has not been previously published as pathogenic or benign to our knowledge; This variant is associated with the following publications: (PMID: 31275557)

Labcorp Genetics (formerly Invitae), Labcorp
Classification: Uncertain significance for Multiple gastrointestinal atresias. Last evaluated: 2025-01-29. Review status: criteria provided, single submitter. Criteria: Invitae Variant Classification Sherloc (09022015). Collection method: clinical testing. Allele origin: germline.
Comment: This sequence change replaces alanine, which is neutral and non-polar, with valine, which is neutral and non-polar, at codon 288 of the TTC7A protein (p.Ala288Val). This variant is present in population databases (rs747695657, gnomAD 0.04%). This variant has not been reported in the literature in individuals affected with TTC7A-related conditions. ClinVar contains an entry for this variant (Variation ID: 1423493). Invitae Evidence Modeling of protein sequence and biophysical properties (such as structural, functional, and spatial information, amino acid conservation, physicochemical variation, residue mobility, and thermodynamic stability) indicates that this missense variant is not expected to disrupt TTC7A protein function with a negative predictive value of 80%. In summary, the available evidence is currently insufficient to determine the role of this variant in disease. Therefore, it has been classified as a Variant of Uncertain Significance.

Ambry Genetics
Classification: Uncertain significance for Inborn genetic diseases. Last evaluated: 2024-03-19. Review status: criteria provided, single submitter. Criteria: Ambry Variant Classification Scheme 2023. Collection method: clinical testing. Allele origin: germline.

Dr. Peter K. Rogan Lab, Western University
No classification provided (evidence only). Condition: Uterine corpus endometrial carcinoma. Review status: no classification provided. Collection method: in vitro. Allele origin: not applicable. Functional consequence: skipped exon, retained intron. Not counted in ClinVar's aggregate classification.